The following is an entry in ClinVar:

NM_170784.3(MKKS):c.871G>A (p.Val291Ile)

Gene: MKKS (MKKS centrosomal shuttling protein; minus strand). Cytogenetic location: 20p12.2.
Variant type: single nucleotide variant.
Coding change: c.871G>A on transcript NM_170784.3 (MANE Select); coding-DNA position 871, G replaced by A.
Protein change: p.Val291Ile; replaces valine 291 with isoleucine.
Molecular consequence: missense variant.
Genome position (GRCh38, 1-based): chr20:10,412,644, C>T on the plus strand (G>A on the coding strand, the complement: MKKS is on the minus strand). VCF-style: chr20-10412644-C-T. GRCh37 (hg19) VCF-style: chr20-10393292-C-T.
Other names: c.871G>A, p.Val291Ile (NM_018848.3); short protein forms V291I.
Identifiers: ClinVar variation 969036 (VCV000969036.10), dbSNP rs910468710, ClinGen allele CA311323445.

ClinVar aggregate classification (germline): Uncertain significance. Review status: criteria provided, multiple submitters, no conflicts (2 of 4 stars). 3 submissions from 3 submitters: Uncertain significance (3). Last evaluated 2026-03-11.

Conditions:
Bardet-Biedl syndrome (BBS). Identifiers: Orphanet 110, MedGen C0752166, MONDO:0015229.
McKusick-Kaufman syndrome (MKKS). Also called: HYDROMETROCOLPOS SYNDROME; HYDROMETROCOLPOS, POSTAXIAL POLYDACTYLY, AND CONGENITAL HEART MALFORMATION. Identifiers: Orphanet 2473, MedGen C0948368, MONDO:0009367, OMIM 236700.
MKKS-related disorder. Also called: MKKS-related condition; MKKS-related disorders.

Allele frequency attached by ClinVar (database versions not stated): gnomAD exomes 0.00001 and 0.00002; TOPMed 0.00001.
gnomAD v4.1: 8 of 1,614,142 alleles (0.0005%); highest among the groups gnomAD compares: Admixed American, 0.01%; no homozygotes.

Submissions (3):

PreventionGenetics, part of Exact Sciences
Classification: Uncertain significance for MKKS-related condition. Last evaluated: 2026-03-11. Review status: criteria provided, single submitter. Criteria: ACMG Guidelines, 2015. Collection method: clinical testing. Allele origin: germline.
Comment: The MKKS c.871G>A variant is predicted to result in the amino acid substitution p.Val291Ile. To our knowledge, this variant has not been reported in the literature. This variant is reported in 0.014% of alleles in individuals of Latino descent in gnomAD. At this time, the clinical significance of this variant is uncertain due to the absence of conclusive functional and genetic evidence.

Labcorp Genetics (formerly Invitae), Labcorp
Classification: Uncertain significance for McKusick-Kaufman syndrome; Bardet-Biedl syndrome. Last evaluated: 2023-12-13. Review status: criteria provided, single submitter. Criteria: Invitae Variant Classification Sherloc (09022015). Collection method: clinical testing. Allele origin: germline.
Comment: This sequence change replaces valine, which is neutral and non-polar, with isoleucine, which is neutral and non-polar, at codon 291 of the MKKS protein (p.Val291Ile). This variant is present in population databases (no rsID available, gnomAD 0.01%). This variant has not been reported in the literature in individuals affected with MKKS-related conditions. ClinVar contains an entry for this variant (Variation ID: 969036). Advanced modeling of protein sequence and biophysical properties (such as structural, functional, and spatial information, amino acid conservation, physicochemical variation, residue mobility, and thermodynamic stability) has been performed at Invitae for this missense variant, however the output from this modeling did not meet the statistical confidence thresholds required to predict the impact of this variant on MKKS protein function. This variant disrupts the p.Val291 amino acid residue in MKKS. Other variant(s) that disrupt this residue have been determined to be pathogenic (PMID: 2896767, 22353939). This suggests that this residue is clinically significant, and that variants that disrupt this residue are likely to be disease-causing. In summary, the available evidence is currently insufficient to determine the role of this variant in disease. Therefore, it has been classified as a Variant of Uncertain Significance.

Blueprint Genetics
Classification: Uncertain significance. Last evaluated: 2019-12-16. Review status: criteria provided, single submitter. Criteria: ACMG Guidelines, 2015. Collection method: clinical testing. Allele origin: germline.

Literature cited by the submitters: PubMed 2896767 (cited by Labcorp Genetics (formerly Invitae), Labcorp); PubMed 22353939 (cited by Labcorp Genetics (formerly Invitae), Labcorp).